The following is an entry in ClinVar:

ClinVar aggregate classification (germline): Uncertain significance. Review status: criteria provided, multiple submitters, no conflicts (2 of 4 stars). 2 submissions from 2 submitters: Uncertain significance (2). Last evaluated 2024-08-12.

Allele frequency attached by ClinVar (database versions not stated): ExAC 0.00001; gnomAD 0.00001; TOPMed 0.00002; 1000 Genomes Project 0.00020; 1000 Genomes Project 30x 0.00031.
gnomAD v4.1: 14 of 1,613,742 alleles (0.00087%); highest among the groups gnomAD compares: African/African-American, 0.0067%; no homozygotes.

Submissions (2):

Ambry Genetics
Classification: Uncertain significance. Last evaluated: 2024-08-12. Review status: criteria provided, single submitter. Criteria: Ambry Variant Classification Scheme 2023. Collection method: clinical testing. Allele origin: germline.

Labcorp Genetics (formerly Invitae), Labcorp
Classification: Uncertain significance. Last evaluated: 2024-06-03. Review status: criteria provided, single submitter. Criteria: Invitae Variant Classification Sherloc (09022015). Collection method: clinical testing. Allele origin: germline.
Comment: This sequence change replaces asparagine, which is neutral and polar, with serine, which is neutral and polar, at codon 17 of the NAF1 protein (p.Asn17Ser). This variant is present in population databases (rs113104155, gnomAD 0.007%). This variant has not been reported in the literature in individuals affected with NAF1-related conditions. Algorithms developed to predict the effect of missense changes on protein structure and function output the following: SIFT: "Not Available"; PolyPhen-2: "Benign"; Align-GVGD: "Not Available". The serine amino acid residue is found in multiple mammalian species, which suggests that this missense change does not adversely affect protein function. In summary, the available evidence is currently insufficient to determine the role of this variant in disease. Therefore, it has been classified as a Variant of Uncertain Significance.

NM_138386.3(NAF1):c.50A>G (p.Asn17Ser)

Gene: NAF1 (nuclear assembly factor 1 ribonucleoprotein; minus strand). Cytogenetic location: 4q32.2.
Variant type: single nucleotide variant.
Coding change: c.50A>G on transcript NM_138386.3 (MANE Select); coding-DNA position 50, A replaced by G.
Protein change: p.Asn17Ser; replaces asparagine 17 with serine.
Molecular consequence: missense variant.
Genome position (GRCh38, 1-based): chr4:163,166,678, T>C on the plus strand (A>G on the coding strand, the complement: NAF1 is on the minus strand). VCF-style: chr4-163166678-T-C. GRCh37 (hg19) VCF-style: chr4-164087830-T-C.
Other names: c.50A>G, p.Asn17Ser (NM_001128931.2); c.50A>G (NM_138386.2); short protein forms N17S.
Identifiers: ClinVar variation 2717821 (VCV002717821.4), dbSNP rs113104155, ClinGen allele CA3126498.